The following is an entry in ClinVar:

ClinVar aggregate classification (germline): Uncertain significance (1 of 4 stars; one submission).

Submission:

Ambry Genetics
Classification: Uncertain significance. Last evaluated: 2025-09-28. Review status: criteria provided, single submitter. Criteria: Ambry Variant Classification Scheme 2023. Collection method: clinical testing. Allele origin: germline.
Comment: The p.Q100P variant (also known as c.299A>C), located in coding exon 4 of the RPS20 gene, results from an A to C substitution at nucleotide position 299. The glutamine at codon 100 is replaced by proline, an amino acid with similar properties. This amino acid position is conserved. In addition, this alteration is predicted to be deleterious by in silico analysis. Based on the available evidence, the clinical significance of this variant remains unclear.

NM_001023.4(RPS20):c.299A>C (p.Gln100Pro)

Gene: RPS20 (ribosomal protein S20; minus strand). Cytogenetic location: 8q12.1.
Variant type: single nucleotide variant.
Coding change: c.299A>C on transcript NM_001023.4 (MANE Select); coding-DNA position 299, A replaced by C.
Protein change: p.Gln100Pro; replaces glutamine 100 with proline.
Molecular consequence: missense variant.
Genome position (GRCh38, 1-based): chr8:56,073,151, T>G on the plus strand (A>C on the coding strand, the complement: RPS20 is on the minus strand). VCF-style: chr8-56073151-T-G. GRCh37 (hg19) VCF-style: chr8-56985710-T-G.
Other names: c.299A>C, p.Gln100Pro (NM_001146227.3); short protein forms Q100P.
Identifiers: ClinVar variation 4579500 (VCV004579500.1).